The following is an entry in ClinVar:

ClinVar aggregate classification (germline): Uncertain significance (1 of 4 stars; one submission).

Conditions:
Hermansky-Pudlak syndrome 2 (HPS2). Also called: Platelet defects and oculocutaneous albinism. Identifiers: Orphanet 183678, Orphanet 79430, MedGen C1842362, MONDO:0011997, OMIM 608233.

Allele frequency attached by ClinVar (database versions not stated): gnomAD exomes 0.00001 and 0.00002; ExAC 0.00002.
gnomAD v4.1: 27 of 1,613,672 alleles (0.0017%); highest among the groups gnomAD compares: Non-Finnish European, 0.0023%; no homozygotes.

Submission:

Labcorp Genetics (formerly Invitae), Labcorp
Classification: Uncertain significance for Hermansky-Pudlak syndrome 2. Last evaluated: 2023-06-19. Review status: criteria provided, single submitter. Criteria: Invitae Variant Classification Sherloc (09022015). Collection method: clinical testing. Allele origin: germline.
Comment: In summary, the available evidence is currently insufficient to determine the role of this variant in disease. Therefore, it has been classified as a Variant of Uncertain Significance. An algorithm developed to predict the effect of missense changes on protein structure and function (PolyPhen-2) suggests that this variant is likely to be disruptive. ClinVar contains an entry for this variant (Variation ID: 1366860). This variant has not been reported in the literature in individuals affected with AP3B1-related conditions. This variant is present in population databases (rs758062316, gnomAD 0.003%). This sequence change replaces asparagine, which is neutral and polar, with aspartic acid, which is acidic and polar, at codon 128 of the AP3B1 protein (p.Asn128Asp).

NM_003664.5(AP3B1):c.382A>G (p.Asn128Asp)

Gene: AP3B1 (adaptor related protein complex 3 subunit beta 1; minus strand). Cytogenetic location: 5q14.1.
Variant type: single nucleotide variant.
Coding change: c.382A>G on transcript NM_003664.5 (MANE Select); coding-DNA position 382, A replaced by G.
Protein change: p.Asn128Asp; replaces asparagine 128 with aspartic acid.
Molecular consequence: missense variant.
Genome position (GRCh38, 1-based): chr5:78,227,526, T>C on the plus strand (A>G on the coding strand, the complement: AP3B1 is on the minus strand). VCF-style: chr5-78227526-T-C. GRCh37 (hg19) VCF-style: chr5-77523350-T-C.
Other names: c.235A>G, p.Asn79Asp (NM_001271769.2); short protein forms N128D, N79D.
Identifiers: ClinVar variation 1366860 (VCV001366860.7), dbSNP rs758062316, ClinGen allele CA3317372.